The following is an entry in ClinVar:

ClinVar aggregate classification (germline): Uncertain significance. Review status: criteria provided, multiple submitters, no conflicts (2 of 4 stars). 3 submissions from 3 submitters: Uncertain significance (3). Last evaluated 2024-12-27.

Conditions:
Familial adenomatous polyposis 1 (FAP1). Also called: FAMILIAL ADENOMATOUS POLYPOSIS 1, ATTENUATED; POLYPOSIS, ADENOMATOUS INTESTINAL. Identifiers: MedGen C2713442, MONDO:0021056, OMIM 175100. Disease mechanism: loss of function.
Gastric adenocarcinoma and proximal polyposis of the stomach (GAPPS). Also called: POLYPOSIS, GASTRIC; Polyposis, gastric, Dos Santos and de Magalhaes 1980; Gastric Adenocarcinoma and Proximal Polyposis of the Stomach (GAPPS). Identifiers: Orphanet 314022, MedGen C4749917, MONDO:0017790, OMIM 619182.
Desmoid disease, hereditary (DESMD). Also called: FIBROMATOSIS, FAMILIAL INFILTRATIVE. Identifiers: Orphanet 873, MedGen C1851124, OMIM 135290. Disease mechanism: loss of function.
Hepatocellular carcinoma (HCC). Also called: Primary carcinoma of liver; HEPATOMA; LIVER CELL CARCINOMA. Identifiers: Orphanet 88673, MedGen C2239176, MONDO:0007256, OMIM 114550, HP:0001402.
Gastric cancer. Also called: Malignant tumor of stomach; Stomach cancer. Identifiers: MedGen C0024623, MeSH D013274, MONDO:0001056, OMIM 613659, HP:0012126.
Colorectal cancer. Also called: Colorectal cancer, somatic; Malignant Colorectal Neoplasm. Identifiers: MedGen C0346629, MONDO:0005575, OMIM 114500.
Hereditary cancer-predisposing syndrome. Also called: Neoplastic Syndromes, Hereditary; Tumor predisposition; Hereditary Cancer Syndrome; Hereditary neoplastic syndrome. Identifiers: Orphanet 140162, MedGen C0027672, MeSH D009386, MONDO:0015356.

Allele frequency attached by ClinVar (database versions not stated): gnomAD exomes below 0.00001.
gnomAD v4.1: 4 of 1,614,090 alleles (0.00025%); highest among the groups gnomAD compares: Non-Finnish European, 0.00034%; no homozygotes.

Submissions (3):

Ambry Genetics
Classification: Uncertain significance for Hereditary cancer-predisposing syndrome. Last evaluated: 2024-12-27. Review status: criteria provided, single submitter. Criteria: Ambry Variant Classification Scheme 2023. Collection method: clinical testing. Allele origin: germline.
Comment: The p.K365R variant (also known as c.1094A>G), located in coding exon 9 of the APC gene, results from an A to G substitution at nucleotide position 1094. The lysine at codon 365 is replaced by arginine, an amino acid with highly similar properties. This amino acid position is highly conserved in available vertebrate species. In addition, in silico predictors for this gene do not accurately predict pathogenicity. Missense alterations in APC are not a common cause of disease (Spier I et al. Genet Med. 2024 Feb;26(2):100992). Based on the available evidence, the clinical significance of this variant remains unclear.

Fulgent Genetics
Classification: Uncertain significance for Colorectal cancer; Hepatocellular carcinoma; Desmoid disease, hereditary; Familial adenomatous polyposis 1; Gastric cancer; Gastric adenocarcinoma and proximal polyposis of the stomach. Last evaluated: 2024-06-21. Review status: criteria provided, single submitter. Criteria: ACMG Guidelines, 2015. Collection method: clinical testing. Allele origin: germline.

Labcorp Genetics (formerly Invitae), Labcorp
Classification: Uncertain significance for Familial adenomatous polyposis 1. Last evaluated: 2023-12-18. Review status: criteria provided, single submitter. Criteria: Invitae Variant Classification Sherloc (09022015). Collection method: clinical testing. Allele origin: germline.
Comment: This sequence change replaces lysine, which is basic and polar, with arginine, which is basic and polar, at codon 365 of the APC protein (p.Lys365Arg). This variant is not present in population databases (gnomAD no frequency). This variant has not been reported in the literature in individuals affected with APC-related conditions. ClinVar contains an entry for this variant (Variation ID: 648537). Advanced modeling of protein sequence and biophysical properties (such as structural, functional, and spatial information, amino acid conservation, physicochemical variation, residue mobility, and thermodynamic stability) performed at Invitae indicates that this missense variant is not expected to disrupt APC protein function with a negative predictive value of 95%. In summary, the available evidence is currently insufficient to determine the role of this variant in disease. Therefore, it has been classified as a Variant of Uncertain Significance.

NM_000038.6(APC):c.1094A>G (p.Lys365Arg)

Gene: APC (APC regulator of Wnt signaling pathway; plus strand). Cytogenetic location: 5q22.2.
Variant type: single nucleotide variant.
Coding change: c.1094A>G on transcript NM_000038.6 (MANE Select); coding-DNA position 1094, A replaced by G.
Protein change: p.Lys365Arg; replaces lysine 365 with arginine.
Molecular consequence: missense variant. On other transcripts: intron variant (4).
Genome position (GRCh38, 1-based): chr5:112,819,126, A>G. VCF-style: chr5-112819126-A-G. GRCh37 (hg19) VCF-style: chr5-112154823-A-G.
Other names: c.1094A>G, p.Lys365Arg (NM_001127510.3, NM_001354895.2, NM_001354896.2); c.1040A>G, p.Lys347Arg (NM_001127511.3); c.1124A>G, p.Lys375Arg (NM_001354897.2); c.1019A>G, p.Lys340Arg (NM_001354898.2); c.1010A>G, p.Lys337Arg (NM_001354899.2); c.917A>G, p.Lys306Arg (NM_001354900.2, NM_001354901.2); c.245A>G, p.Lys82Arg (NM_001354906.2); c.964-143A>G (NM_001354902.2); and 3 more; short protein forms K337R, K340R, K365R, K306R, K347R, K82R, K375R.
Identifiers: ClinVar variation 648537 (VCV000648537.14), dbSNP rs1580529121, ClinGen allele CA16023709.